The following is an entry in ClinVar:

ClinVar aggregate classification (germline): Conflicting classifications of pathogenicity. Review status: criteria provided, conflicting classifications (1 of 4 stars). 4 submissions from 4 submitters: Uncertain significance (2); Likely benign (2). Last evaluated 2024-06-08.

Conditions:
Focal segmental glomerulosclerosis 5 (FSGS5). Identifiers: Orphanet 656, MedGen C2750475, MONDO:0013191, OMIM 613237.
Charcot-Marie-Tooth disease dominant intermediate E. Also called: CHARCOT-MARIE-TOOTH NEUROPATHY WITH FOCAL SEGMENTAL GLOMERULONEPHRITIS. Identifiers: Orphanet 93114, MedGen C4302667, MONDO:0013758, OMIM 614455.
Inborn genetic diseases. Identifiers: MedGen C0950123, MeSH D030342.

Allele frequency attached by ClinVar (database versions not stated): ExAC 0.00001; gnomAD exomes 0.00001; gnomAD 0.00003.

Submissions (4):

Fulgent Genetics
Classification: Likely benign for Focal segmental glomerulosclerosis 5; Charcot-Marie-Tooth disease dominant intermediate E. Last evaluated: 2024-06-08. Review status: criteria provided, single submitter. Criteria: ACMG Guidelines, 2015. Collection method: clinical testing. Allele origin: germline.

Labcorp Genetics (formerly Invitae), Labcorp
Classification: Likely benign for Charcot-Marie-Tooth disease dominant intermediate E; Focal segmental glomerulosclerosis 5. Last evaluated: 2022-07-06. Review status: criteria provided, single submitter. Criteria: Invitae Variant Classification Sherloc (09022015). Collection method: clinical testing. Allele origin: germline.

Ambry Genetics
Classification: Uncertain significance for Inborn genetic diseases. Last evaluated: 2020-09-11. Review status: criteria provided, single submitter. Criteria: Ambry Variant Classification Scheme 2023. Collection method: clinical testing. Allele origin: germline.
Comment: The p.E1174K variant (also known as c.3520G>A), located in coding exon 20 of the INF2 gene, results from a G to A substitution at nucleotide position 3520. The glutamic acid at codon 1174 is replaced by lysine, an amino acid with similar properties. This amino acid position is not well conserved in available vertebrate species. In addition, this alteration is predicted to be tolerated by in silico analysis. Since supporting evidence is limited at this time, the clinical significance of this alteration remains unclear.

Blueprint Genetics
Classification: Uncertain significance. Last evaluated: 2020-01-03. Review status: criteria provided, single submitter. Criteria: ACMG Guidelines, 2015. Collection method: clinical testing. Allele origin: germline.

NM_022489.4(INF2):c.3520G>A (p.Glu1174Lys)

Gene: INF2 (inverted formin 2; plus strand). Cytogenetic location: 14q32.33.
Variant type: single nucleotide variant.
Coding change: c.3520G>A on transcript NM_022489.4 (MANE Select); coding-DNA position 3520, G replaced by A.
Protein change: p.Glu1174Lys; replaces glutamic acid 1174 with lysine.
Molecular consequence: missense variant.
Genome position (GRCh38, 1-based): chr14:104,714,682, G>A. VCF-style: chr14-104714682-G-A. GRCh37 (hg19) VCF-style: chr14-105181019-G-A.
Other names: c.3520G>A, p.Glu1174Lys (NM_001031714.4); short protein forms E1174K.
Identifiers: ClinVar variation 1485170 (VCV001485170.10), dbSNP rs755527335, ClinGen allele CA7373290.